The following is an entry in ClinVar:

ClinVar aggregate classification (germline): Likely benign. Review status: reviewed by expert panel (3 of 4 stars). 2 submissions from 2 submitters: Likely benign (1). 1 of the submissions does not count toward it. Last evaluated 2026-10-23.

Conditions:
Alexander disease (ALXDRD). Also called: Alexander's disease. Identifiers: Orphanet 58, MedGen C0270726, MONDO:0008752, OMIM 203450.

Allele frequency attached by ClinVar (database versions not stated): TOPMed 0.00002; gnomAD 0.00003; gnomAD exomes 0.00007; ExAC 0.00022.
gnomAD v4.1: 99 of 1,583,782 alleles (0.0063%); highest among the groups gnomAD compares: Non-Finnish European, 0.008%; 1 homozygote.

Submissions (2):

ClinGen Leukodystrophy and Leukoencephalopathy Variant Curation Expert Panel, ClinGen
Classification: Likely benign for Alexander disease. Last evaluated: 2026-10-23. Review status: reviewed by expert panel. Criteria: ClinGen Leuko ACMG Specifications GFAP V1.0. Collection method: curation. Allele origin: germline. Inheritance: Autosomal dominant inheritance.
Comment: The c.14G>A variant in GFAP is a missense variant predicted to cause substitution of arginine by histidine at amino acid 5 (p.Arg5His). The Exome GrpMax filtering allele frequency in gnomAD v4.1.1.1 is 0.00006693 from the European (non-Finnish) genetic ancestry group (the lower threshold of the 95% CI of 94/1431590 alleles), which is higher than the ClinGen Leukodystrophy and Leukoencephalopathy VCEP threshold (0.00001) for BS1, and therefore meets this criterion (BS1). In summary, this variant meets the criteria to be classified as a likely benign variant for Alexander disease based on the ACMG/AMP criteria applied, as specified by the ClinGen Leukodystrophy and Leukoencephalopathy Expert Panel Specifications to the ACMG/AMP Variant Interpretation Guidelines for GFAP Version 1.0.0): (BS1).

Labcorp Genetics (formerly Invitae), Labcorp
Classification: Uncertain significance. Last evaluated: 2023-07-17. Review status: criteria provided, single submitter. Criteria: Invitae Variant Classification Sherloc (09022015). Collection method: clinical testing. Allele origin: germline. Not counted in ClinVar's aggregate classification.
Comment: This variant has not been reported in the literature in individuals affected with GFAP-related conditions. ClinVar contains an entry for this variant (Variation ID: 2183241). Advanced modeling of protein sequence and biophysical properties (such as structural, functional, and spatial information, amino acid conservation, physicochemical variation, residue mobility, and thermodynamic stability) has been performed at Invitae for this missense variant, however the output from this modeling did not meet the statistical confidence thresholds required to predict the impact of this variant on GFAP protein function. In summary, the available evidence is currently insufficient to determine the role of this variant in disease. Therefore, it has been classified as a Variant of Uncertain Significance. The frequency data for this variant in the population databases is considered unreliable, as metrics indicate poor data quality at this position in the gnomAD database. This sequence change replaces arginine, which is basic and polar, with histidine, which is basic and polar, at codon 5 of the GFAP protein (p.Arg5His).

NM_002055.5(GFAP):c.14G>A (p.Arg5His)

Gene: GFAP (glial fibrillary acidic protein; minus strand). Cytogenetic location: 17q21.31.
Variant type: single nucleotide variant.
Coding change: c.14G>A on transcript NM_002055.5 (MANE Select); coding-DNA position 14, G replaced by A.
Protein change: p.Arg5His; replaces arginine 5 with histidine.
Molecular consequence: missense variant.
Genome position (GRCh38, 1-based): chr17:44,915,473, C>T on the plus strand (G>A on the coding strand, the complement: GFAP is on the minus strand). VCF-style: chr17-44915473-C-T. GRCh37 (hg19) VCF-style: chr17-42992841-C-T.
Other names: NM_002055.5(GFAP):c.14G>A; p.Arg5His; c.14G>A, p.Arg5His (NM_001131019.3, NM_001242376.3, NM_001363846.2); short protein forms R5H.
Identifiers: ClinVar variation 2183241 (VCV002183241.5), dbSNP rs773456179, ClinGen allele CA8609135.
Genomic context (GRCh38, chr17:44,915,473, plus strand): 5'-AGGCCCCCCACCATCATCTCCCCTGAGGAGACGTAGGAGCGGCGAGCAGCGGAGGTGATG[C>T]GTCTCCTCTCCATCCTGCTCTGGCTCTGCTCGCTCCTGGGATGCGAGGGCTTTATGAAGG-3'
Protein context (NP_002046.1, residues 1-15): MERR[Arg5His]ITSAARRSYV